The following is an entry in ClinVar:

NM_001942.4(DSG1):c.2381G>T (p.Ser794Ile)

Genes: DSG1 (desmoglein 1; plus strand), DSG1-AS1 (DSG1 antisense RNA 1; minus strand), LOC126862720 (MED14-independent group 3 enhancer GRCh37_chr18:28933613-28934812; plus strand). Cytogenetic location: 18q12.1.
Variant type: single nucleotide variant.
Coding change: c.2381G>T on transcript NM_001942.4 (MANE Select); coding-DNA position 2381, G replaced by T.
Protein change: p.Ser794Ile; replaces serine 794 with isoleucine.
Molecular consequence: missense variant.
Genome position (GRCh38, 1-based): chr18:31,354,577, G>T. VCF-style: chr18-31354577-G-T. GRCh37 (hg19) VCF-style: chr18-28934540-G-T.
Other names: short protein forms S794I.
Identifiers: ClinVar variation 2225500 (VCV002225500.4), dbSNP rs377003437, ClinGen allele CA8926348.

ClinVar aggregate classification (germline): Uncertain significance. Review status: criteria provided, multiple submitters, no conflicts (2 of 4 stars). 2 submissions from 2 submitters: Uncertain significance (2). Last evaluated 2024-06-25.

Conditions:
Inborn genetic diseases. Identifiers: MedGen C0950123, MeSH D030342.

Allele frequency attached by ClinVar (database versions not stated): gnomAD 0.00001; TOPMed 0.00001; ExAC 0.00002; ESP Exome Variant Server 0.00008.
gnomAD v4.1: 9 of 1,614,052 alleles (0.00056%); highest among the groups gnomAD compares: Non-Finnish European, 0.00068%; no homozygotes.

Submissions (2):

Labcorp Genetics (formerly Invitae), Labcorp
Classification: Uncertain significance. Last evaluated: 2024-06-25. Review status: criteria provided, single submitter. Criteria: Invitae Variant Classification Sherloc (09022015). Collection method: clinical testing. Allele origin: germline.
Comment: This sequence change replaces serine, which is neutral and polar, with isoleucine, which is neutral and non-polar, at codon 794 of the DSG1 protein (p.Ser794Ile). This variant is present in population databases (rs377003437, gnomAD 0.002%). This variant has not been reported in the literature in individuals affected with DSG1-related conditions. ClinVar contains an entry for this variant (Variation ID: 2225500). An algorithm developed to predict the effect of missense changes on protein structure and function (PolyPhen-2) suggests that this variant is likely to be tolerated. In summary, the available evidence is currently insufficient to determine the role of this variant in disease. Therefore, it has been classified as a Variant of Uncertain Significance.

Ambry Genetics
Classification: Uncertain significance for Inborn genetic diseases. Last evaluated: 2022-05-04. Review status: criteria provided, single submitter. Criteria: Ambry Variant Classification Scheme 2023. Collection method: clinical testing. Allele origin: germline.